The following is an entry in ClinVar:

ClinVar aggregate classification (germline): Pathogenic. Review status: criteria provided, multiple submitters, no conflicts (2 of 4 stars). 11 submissions from 11 submitters: Pathogenic (11). Last evaluated 2025-01-24.

Conditions:
Migraine, familial hemiplegic, 3. Identifiers: Orphanet 569, MedGen C1864987, MONDO:0012320, OMIM 609634.
Severe myoclonic epilepsy in infancy (DRVT). Also called: DEVELOPMENTAL AND EPILEPTIC ENCEPHALOPATHY 6A; Severe Myoclonic Epilepsy in Infancy (SMEI); Epileptic encephalopathy, early infantile, 6 (Dravet syndrome); Dravet syndrome; SEVERE MYOCLONIC EPILEPSY OF INFANCY. Identifiers: Orphanet 33069, MedGen C0751122, MONDO:0100135, OMIM 607208.
Generalized epilepsy with febrile seizures plus, type 2 (GEFSP2). Also called: GEFS+, TYPE 2. Identifiers: Orphanet 36387, MedGen C1858673, MONDO:0011461, OMIM 604403.
Developmental and epileptic encephalopathy 6B. Also called: Developmental and epileptic encephalopathy 6B, non-Dravet. Identifiers: MedGen C5543353, MONDO:0030268, OMIM 619317.
SCN1A-related disorder. Also called: SCN1A-related disorders; SCN1A-related conditions; SCN1A-related condition.
Early-infantile DEE. Also called: Ohtahara syndrome; Early infantile epileptic encephalopathy with suppression bursts; Early infantile epileptic encephalopathy. Identifiers: Orphanet 1934, MedGen C0393706, MONDO:0800491.
Inborn genetic diseases. Identifiers: MedGen C0950123, MeSH D030342.
Seizure. Also called: Seizures. Identifiers: MedGen C0036572, HP:0001250.

Submissions (11):

3billion
Classification: Pathogenic for Severe myoclonic epilepsy in infancy. Last evaluated: 2025-01-24. Review status: criteria provided, single submitter. Criteria: ACMG Guidelines, 2015. Collection method: clinical testing. Allele origin: germline. Affected: yes.
Comment: The variant is not observed in the gnomAD v4.1.0 dataset. Predicted Consequence/Location: Stop-gained (nonsense): predicted to result in a loss or disruption of normal protein function through nonsense-mediated decay (NMD) or protein truncation. Multiple pathogenic variants are reported downstream of the variant. The variant has been reported at least twice as pathogenic with clinical assertions and evidence for the classification (ClinVar ID: VCV000167639 /PMID: 12821740). Therefore, this variant is classified as Pathogenic according to the recommendation of ACMG/AMP guideline.

Labcorp Genetics (formerly Invitae), Labcorp
Classification: Pathogenic for Early-infantile DEE. Last evaluated: 2024-12-22. Review status: criteria provided, single submitter. Criteria: Invitae Variant Classification Sherloc (09022015). Collection method: clinical testing. Allele origin: germline.
Comment: This sequence change creates a premature translational stop signal (p.Arg1245*) in the SCN1A gene. It is expected to result in an absent or disrupted protein product. Loss-of-function variants in SCN1A are known to be pathogenic (PMID: 17347258, 18930999). This variant is not present in population databases (gnomAD no frequency). This premature translational stop signal has been observed in individual(s) with early infantile epileptic encephalopathy (PMID: 12821740). In at least one individual the variant was observed to be de novo. ClinVar contains an entry for this variant (Variation ID: 167639). For these reasons, this variant has been classified as Pathogenic.

Cytogénomique, Hospices Civils de Lyon
Classification: Pathogenic for Seizure. Last evaluated: 2024-07-23. Review status: criteria provided, single submitter. Criteria: ACMG Guidelines, 2015. Collection method: clinical testing. Allele origin: de novo. Affected: yes.

Fulgent Genetics
Classification: Pathogenic for Generalized epilepsy with febrile seizures plus, type 2; Severe myoclonic epilepsy in infancy; Migraine, familial hemiplegic, 3; Developmental and epileptic encephalopathy 6B. Last evaluated: 2022-05-20. Review status: criteria provided, single submitter. Criteria: ACMG Guidelines, 2015. Collection method: clinical testing. Allele origin: unknown.

CeGaT Center for Human Genetics Tuebingen
Classification: Pathogenic. Last evaluated: 2021-09-01. Review status: criteria provided, single submitter. Criteria: CeGaT Center For Human Genetics Tuebingen Variant Classification Criteria Version 2. Collection method: clinical testing. Allele origin: germline. Affected: yes. Observed: 2 variant alleles.

GeneDx
Classification: Pathogenic. Last evaluated: 2019-04-26. Review status: criteria provided, single submitter. Criteria: GeneDx Variant Classification Process June 2021. Collection method: clinical testing. Allele origin: germline. Affected: yes.
Comment: Nonsense variant predicted to result in nonsense mediated decay in a gene for which loss-of-function is a known mechanism of disease; Not observed in large population cohorts (Lek et al., 2016); This variant is associated with the following publications: (PMID: 17054684, 21906962, 24168886, 25525159, 12821740, 22150645, 26096185, 31009440, 30945278, 31864146, 32090326, 31031587)

Blueprint Genetics
Classification: Pathogenic for SCN1A-related disorders. Last evaluated: 2017-09-30. Review status: criteria provided, single submitter. Criteria: ACMG Guidelines, 2015. Collection method: clinical testing. Allele origin: germline. Affected: yes. Observed: 1 variant allele.

Ambry Genetics
Classification: Pathogenic for Inborn genetic diseases. Last evaluated: 2016-09-15. Review status: criteria provided, single submitter. Criteria: Ambry Variant Classification Scheme 2023. Collection method: clinical testing. Allele origin: germline.
Comment: The p.R1245* pathogenic mutation (also known as c.3733C>T), located in coding exon 19 of the SCN1A gene, results from a C to T substitution at nucleotide position 3733. This changes the amino acid from an arginine to a stop codon within coding exon 19. This alteration has been reported in individuals with severe myoclonic epilepsy of infancy (SMEI) and Dravet syndrome. (Craig AK et al. Seizure, 2012 Jan;21:17-20; Nabbout R et al. Neurology, 2003 Jun;60:1961-7; Zhang Y et al. PLoS ONE, 2015 Nov;10:e0141782). This alteration is expected to result in loss of function by premature protein truncation or nonsense-mediated mRNA decay. As such, this alteration is interpreted as a disease-causing mutation.

Athena Diagnostics
Classification: Pathogenic for Severe myoclonic epilepsy in infancy. Last evaluated: 2015-02-13. Review status: criteria provided, single submitter. Criteria: Athena Diagnostics Criteria. Collection method: clinical testing. Allele origin: germline. Inheritance: Autosomal dominant inheritance.

Center for Bioinformatics, Peking University
Classification: Pathogenic for Dravet syndrome. Last evaluated: 2014-12-20. Review status: criteria provided, single submitter. Criteria: Xu et al. (Hum Mutat. 2015). Collection method: research. Allele origin: inherited. Affected: yes. Observed: 5 variant alleles. Study: University Clinical Cooperation “985 Project” PKU-2014-1-1.
Comment: Dravet syndrome (DS) probands were recruited from the outpatient and inpatient child neurology units of Peking University First Hospital from 2005 till present. The study was approved by the Ethics Committee of Peking University First Hospital and the Institutional Review Board at Peking University. Participants or their parents provided written informed consent before enrollment. We collected a total of 267 mutations from 255 families with probands diagnosed with DS in China. All probands fulfilled the clinical diagnostic criteria.

Eurofins Ntd Llc (ga)
Classification: Pathogenic. Last evaluated: 2014-02-20. Review status: criteria provided, single submitter. Criteria: EGL Classification Definitions 2015. Collection method: clinical testing. Allele origin: germline. Observed: 1 variant allele, 1 heterozygote.

Literature cited by the submitters: PubMed 12821740 (cited by 4 submitters); PubMed 17347258 (cited by Labcorp Genetics (formerly Invitae), Labcorp); PubMed 18930999 (cited by Labcorp Genetics (formerly Invitae), Labcorp); PubMed 21906962 (cited by Ambry Genetics); PubMed 26544041 (cited by Ambry Genetics); PubMed 17054684 (cited by Athena Diagnostics).

NM_001165963.4(SCN1A):c.3733C>T (p.Arg1245Ter)

Genes: SCN1A (sodium voltage-gated channel alpha subunit 1; minus strand), LOC102724058 (uncharacterized LOC102724058; plus strand). Cytogenetic location: 2q24.3.
Variant type: single nucleotide variant.
Coding change: c.3733C>T on transcript NM_001165963.4 (MANE Select); coding-DNA position 3733, C replaced by T.
Protein change: p.Arg1245Ter; replaces arginine 1245 with a stop codon.
Molecular consequence: nonsense. On other transcripts: non-coding transcript variant (1).
Genome position (GRCh38, 1-based): chr2:166,012,255, G>A on the plus strand (C>T on the coding strand, the complement: SCN1A is on the minus strand). VCF-style: chr2-166012255-G-A. GRCh37 (hg19) VCF-style: chr2-166868765-G-A.
Other names: p.R1245*:CGA>TGA; c.3649C>T, p.Arg1217Ter (NM_001165964.3, NM_001353957.2, NM_001353958.2); c.3733C>T, p.Arg1245Ter (NM_001202435.3, NM_001353948.2); c.3700C>T, p.Arg1234Ter (NM_001353949.2, NM_001353950.2, NM_001353951.2 and 2 more transcripts); c.3697C>T, p.Arg1233Ter (NM_001353954.2, NM_001353955.2); c.3646C>T, p.Arg1216Ter (NM_001353960.2); c.1291C>T, p.Arg431Ter (NM_001353961.2); short protein forms R1234*, R1245*, R1216*, R1233*, R1217*, R431*.
Identifiers: ClinVar variation 167639 (VCV000167639.63), dbSNP rs727504136, ClinGen allele CA273365.
Genomic context (GRCh38, chr2:166,012,255, plus strand): 5'-GAATGAAAATGTAAGTGAAAACCTTGTCAGCATATTCCAACATCGTCTTAATCGTCTTTC[G>A]CTGATCAATATATATATCTTCAAATGCCTATAAAGAAAATGTTACACATTATTAGCTTTC-3'